The following is an entry in ClinVar:

NM_002661.5(PLCG2):c.2273T>C (p.Met758Thr)

Gene: PLCG2 (phospholipase C gamma 2; plus strand). Cytogenetic location: 16q23.3.
Variant type: single nucleotide variant.
Coding change: c.2273T>C on transcript NM_002661.5 (MANE Select); coding-DNA position 2273, T replaced by C.
Protein change: p.Met758Thr; replaces methionine 758 with threonine.
Molecular consequence: missense variant.
Genome position (GRCh38, 1-based): chr16:81,921,235, T>C. VCF-style: chr16-81921235-T-C. GRCh37 (hg19) VCF-style: chr16-81954840-T-C.
Other names: c.2273T>C, p.Met758Thr (NM_001425749.1, NM_001425750.1, NM_001425751.1); short protein forms M758T.
Identifiers: ClinVar variation 3697280 (VCV003697280.2).

ClinVar aggregate classification (germline): Uncertain significance (1 of 4 stars; one submission).

Conditions:
Familial cold autoinflammatory syndrome 3 (FCAS3). Also called: FAMILIAL ATYPICAL COLD URTICARIA; ANTIBODY DEFICIENCY AND IMMUNE DYSREGULATION, PLCG2-ASSOCIATED. Identifiers: Orphanet 300359, MedGen C3280914, MONDO:0013766, OMIM 614468.

gnomAD v4.1: 1 of 1,609,284 alleles (0.000062%); highest among the groups gnomAD compares: Non-Finnish European, 0.000085%; no homozygotes.

Submission:

Labcorp Genetics (formerly Invitae), Labcorp
Classification: Uncertain significance for Familial cold autoinflammatory syndrome 3. Last evaluated: 2024-05-27. Review status: criteria provided, single submitter. Criteria: Invitae Variant Classification Sherloc (09022015). Collection method: clinical testing. Allele origin: germline.
Comment: This sequence change replaces methionine, which is neutral and non-polar, with threonine, which is neutral and polar, at codon 758 of the PLCG2 protein (p.Met758Thr). This variant is not present in population databases (gnomAD no frequency). This variant has not been reported in the literature in individuals affected with PLCG2-related conditions. An algorithm developed to predict the effect of missense changes on protein structure and function (PolyPhen-2) suggests that this variant is likely to be tolerated. In summary, the available evidence is currently insufficient to determine the role of this variant in disease. Therefore, it has been classified as a Variant of Uncertain Significance.